The following is an entry in ClinVar:

ClinVar aggregate classification (germline): Conflicting classifications of pathogenicity. Review status: criteria provided, conflicting classifications (1 of 4 stars). 2 submissions from 2 submitters: Uncertain significance (1); Likely benign (1). Last evaluated 2026-04-22.

Conditions:
Cardiovascular phenotype. Identifiers: MedGen CN230736.

Submissions (2):

Ambry Genetics
Classification: Likely benign for Cardiovascular phenotype. Last evaluated: 2026-04-22. Review status: criteria provided, single submitter. Criteria: Ambry Variant Classification Scheme 2023. Collection method: clinical testing. Allele origin: germline.

GeneDx
Classification: Uncertain significance. Last evaluated: 2025-09-24. Review status: criteria provided, single submitter. Criteria: GeneDx Variant Classification Process June 2021. Collection method: clinical testing. Allele origin: germline. Affected: yes.
Comment: Not observed at significant frequency in large population cohorts (gnomAD); In silico analysis suggests that this missense variant does not alter protein structure/function; Has not been previously published as pathogenic or benign to our knowledge

NM_001378454.1(ALMS1):c.3275T>C (p.Val1092Ala)

Gene: ALMS1 (ALMS1 centrosome and basal body associated protein; plus strand). Cytogenetic location: 2p13.1.
Variant type: single nucleotide variant.
Coding change: c.3275T>C on transcript NM_001378454.1 (MANE Select); coding-DNA position 3275, T replaced by C.
Protein change: p.Val1092Ala; replaces valine 1092 with alanine.
Molecular consequence: missense variant.
Genome position (GRCh38, 1-based): chr2:73,449,802, T>C. VCF-style: chr2-73449802-T-C. GRCh37 (hg19) VCF-style: chr2-73676929-T-C.
Other names: c.3278T>C, p.Val1093Ala (NM_015120.4); short protein forms V1092A, V1093A.
Identifiers: ClinVar variation 2579543 (VCV002579543.3), dbSNP rs2466097489, ClinGen allele CA347274736.